The following is an entry in ClinVar:

ClinVar aggregate classification (germline): Uncertain significance (1 of 4 stars; one submission).

Conditions:
Schuurs-Hoeijmakers syndrome. Also called: PACS1-Related Neurodevelopmental Disorder. Identifiers: Orphanet 329224, MedGen C3554343, MONDO:0014006, OMIM 615009.

gnomAD v4.1: 1 of 1,610,816 alleles (0.000062%); highest among the groups gnomAD compares: Non-Finnish European, 0.000085%; no homozygotes.

Submission:

Labcorp Genetics (formerly Invitae), Labcorp
Classification: Uncertain significance for Schuurs-Hoeijmakers syndrome. Last evaluated: 2024-09-30. Review status: criteria provided, single submitter. Criteria: Invitae Variant Classification Sherloc (09022015). Collection method: clinical testing. Allele origin: germline.
Comment: This sequence change replaces serine, which is neutral and polar, with phenylalanine, which is neutral and non-polar, at codon 604 of the PACS1 protein (p.Ser604Phe). This variant is present in population databases (rs747956650, gnomAD 0.003%). This variant has not been reported in the literature in individuals affected with PACS1-related conditions. Invitae Evidence Modeling of protein sequence and biophysical properties (such as structural, functional, and spatial information, amino acid conservation, physicochemical variation, residue mobility, and thermodynamic stability) indicates that this missense variant is not expected to disrupt PACS1 protein function with a negative predictive value of 80%. In summary, the available evidence is currently insufficient to determine the role of this variant in disease. Therefore, it has been classified as a Variant of Uncertain Significance.

NM_018026.4(PACS1):c.1811C>T (p.Ser604Phe)

Gene: PACS1 (phosphofurin acidic cluster sorting protein 1; plus strand). Cytogenetic location: 11q13.2.
Variant type: single nucleotide variant.
Coding change: c.1811C>T on transcript NM_018026.4 (MANE Select); coding-DNA position 1811, C replaced by T.
Protein change: p.Ser604Phe; replaces serine 604 with phenylalanine.
Molecular consequence: missense variant.
Genome position (GRCh38, 1-based): chr11:66,233,039, C>T. VCF-style: chr11-66233039-C-T. GRCh37 (hg19) VCF-style: chr11-66000510-C-T.
Other names: short protein forms S604F.
Identifiers: ClinVar variation 3679784 (VCV003679784.2).